The following is an entry in ClinVar:

NM_001375524.1(TRRAP):c.5882G>A (p.Gly1961Glu)

Gene: TRRAP (transformation/transcription domain associated protein; plus strand). Cytogenetic location: 7q22.1.
Variant type: single nucleotide variant.
Coding change: c.5882G>A on transcript NM_001375524.1 (MANE Select); coding-DNA position 5882, G replaced by A.
Protein change: p.Gly1961Glu; replaces glycine 1961 with glutamic acid.
Molecular consequence: missense variant.
Genome position (GRCh38, 1-based): chr7:98,955,249, G>A. VCF-style: chr7-98955249-G-A. GRCh37 (hg19) VCF-style: chr7-98552872-G-A.
Other names: c.5861G>A, p.Gly1954Glu (NM_001244580.2); c.5807G>A, p.Gly1936Glu (NM_003496.4); short protein forms G1936E, G1954E, G1961E.
Identifiers: ClinVar variation 2499420 (VCV002499420.1), dbSNP rs2484874759, ClinGen allele CA368324018.

ClinVar aggregate classification (germline): Uncertain significance (1 of 4 stars; one submission).

Submission:

GeneDx
Classification: Uncertain significance. Last evaluated: 2022-10-14. Review status: criteria provided, single submitter. Criteria: GeneDx Variant Classification Process June 2021. Collection method: clinical testing. Allele origin: germline. Affected: yes.
Comment: Not observed at significant frequency in large population cohorts (gnomAD); In silico analysis supports that this missense variant has a deleterious effect on protein structure/function; Has not been previously published as pathogenic or benign to our knowledge